The following is an entry in ClinVar:

ClinVar aggregate classification (germline): Uncertain significance. Review status: criteria provided, multiple submitters, no conflicts (2 of 4 stars). 2 submissions from 2 submitters: Uncertain significance (2). Last evaluated 2025-09-17.

Conditions:
Cardiovascular phenotype. Identifiers: MedGen CN230736.
Hereditary cancer-predisposing syndrome. Also called: Tumor predisposition; Neoplastic Syndromes, Hereditary; Hereditary neoplastic syndrome; Hereditary Cancer Syndrome. Identifiers: Orphanet 140162, MedGen C0027672, MeSH D009386, MONDO:0015356.
LZTR1-related disorder. Also called: LZTR1-related disorders; LZTR1-related condition.

Submissions (2):

Ambry Genetics
Classification: Uncertain significance for Cardiovascular phenotype; Hereditary cancer-predisposing syndrome. Last evaluated: 2025-09-17. Review status: criteria provided, single submitter. Criteria: Ambry Variant Classification Scheme 2023. Collection method: clinical testing. Allele origin: germline.
Comment: The c.1984_1985delGCinsAA variant (also known as p.A662K), located in coding exon 17 of the LZTR1 gene, results from an in-frame deletion of GC and insertion of AA at nucleotide positions 1984 to 1985. This results in the substitution of the alanine residue for a lysine residue at codon 662, an amino acid with dissimilar properties. This amino acid position is not well conserved in available vertebrate species. In addition, this variant is predicted to be neutral by in silico analysis (Choi Y et al. PLoS ONE. 2012; 7(10):e46688). Based on the available evidence, the clinical significance of this variant remains unclear.

PreventionGenetics, part of Exact Sciences
Classification: Uncertain significance for LZTR1-related condition. Last evaluated: 2022-12-07. Review status: criteria provided, single submitter. Criteria: ACMG Guidelines, 2015. Collection method: clinical testing. Allele origin: germline.
Comment: The LZTR1 c.1984_1985delinsAA variant is predicted to result in an in-frame deletion and insertion. To our knowledge, this variant has not been reported in the literature or in a large population database, indicating this variant is rare. At this time, the clinical significance of this variant is uncertain due to the absence of conclusive functional and genetic evidence.

NM_006767.4(LZTR1):c.1984_1985delinsAA (p.Ala662Lys)

Gene: LZTR1 (leucine zipper like post translational regulator 1; plus strand). Cytogenetic location: 22q11.21.
Variant type: Indel.
Coding change: c.1984_1985delinsAA on transcript NM_006767.4 (MANE Select); coding-DNA positions 1984 to 1985, GC replaced by AA.
Protein change: p.Ala662Lys; replaces alanine 662 with lysine.
Molecular consequence: missense variant.
Genome position (GRCh38, 1-based): chr22:20,995,787-20,995,788, GC replaced by AA. VCF-style: chr22-20995787-GC-AA. GRCh37 (hg19) VCF-style: chr22-21350076-GC-AA.
Other names: c.1984_1985delGCinsAA (NM_006767.3); short protein forms A662K.
Identifiers: ClinVar variation 2629871 (VCV002629871.2), dbSNP rs2518623853, ClinGen allele CA2695200075.